The following is an entry in ClinVar:

NM_005861.4(STUB1):c.854C>T (p.Ala285Val)

Genes: JMJD8 (jumonji domain containing 8; minus strand), STUB1 (STIP1 homology and U-box containing protein 1; plus strand). Cytogenetic location: 16p13.3.
Variant type: single nucleotide variant.
Coding change: c.854C>T on transcript NM_005861.4 (MANE Select); coding-DNA position 854, C replaced by T.
Protein change: p.Ala285Val; replaces alanine 285 with valine.
Molecular consequence: missense variant. On other transcripts: 3 prime UTR variant (5), non-coding transcript variant (3).
Genome position (GRCh38, 1-based): chr16:682,431, C>T. VCF-style: chr16-682431-C-T. GRCh37 (hg19) VCF-style: chr16-732431-C-T.
Other names: c.638C>T, p.Ala213Val (NM_001293197.2); c.*363G>A (NM_001005920.4, NM_001323919.3, NM_001323920.3); c.*397G>A (NM_001323918.3, NM_001323922.3); short protein forms A213V, A285V.
Identifiers: ClinVar variation 2414062 (VCV002414062.6), dbSNP rs2543818001, ClinGen allele CA394114660.

ClinVar aggregate classification (germline): Uncertain significance (1 of 4 stars; one submission).

Allele frequency attached by ClinVar (database versions not stated): gnomAD exomes 0.00001.

Submission:

Labcorp Genetics (formerly Invitae), Labcorp
Classification: Uncertain significance. Last evaluated: 2024-04-30. Review status: criteria provided, single submitter. Criteria: Invitae Variant Classification Sherloc (09022015). Collection method: clinical testing. Allele origin: germline.
Comment: This sequence change replaces alanine, which is neutral and non-polar, with valine, which is neutral and non-polar, at codon 285 of the STUB1 protein (p.Ala285Val). This variant is not present in population databases (gnomAD no frequency). This variant has not been reported in the literature in individuals affected with STUB1-related conditions. ClinVar contains an entry for this variant (Variation ID: 2414062). Advanced modeling of protein sequence and biophysical properties (such as structural, functional, and spatial information, amino acid conservation, physicochemical variation, residue mobility, and thermodynamic stability) performed at Invitae indicates that this missense variant is not expected to disrupt STUB1 protein function with a negative predictive value of 80%. In summary, the available evidence is currently insufficient to determine the role of this variant in disease. Therefore, it has been classified as a Variant of Uncertain Significance.